The following is an entry in ClinVar:

ClinVar aggregate classification (germline): Uncertain significance (1 of 4 stars; one submission).

Conditions:
Familial thoracic aortic aneurysm and aortic dissection (TAAD). Also called: Thoracic aortic aneurysms and dissections. Identifiers: Orphanet 91387, MedGen C4707243, MONDO:0019625.

Submission:

Ambry Genetics
Classification: Uncertain significance for Familial thoracic aortic aneurysm and aortic dissection. Last evaluated: 2025-12-02. Review status: criteria provided, single submitter. Criteria: Ambry Variant Classification Scheme 2023. Collection method: clinical testing. Allele origin: germline.
Comment: The p.I522M variant (also known as c.1566C>G), located in coding exon 12 of the MYH11 gene, results from a C to G substitution at nucleotide position 1566. The isoleucine at codon 522 is replaced by methionine, an amino acid with highly similar properties. This amino acid position is conserved. In addition, this alteration is predicted to be deleterious by in silico analysis. Based on the available evidence, the clinical significance of this variant remains unclear.

NM_002474.3(MYH11):c.1566C>G (p.Ile522Met)

Gene: MYH11 (myosin heavy chain 11; minus strand). Cytogenetic location: 16p13.11.
Variant type: single nucleotide variant.
Coding change: c.1566C>G on transcript NM_002474.3 (MANE Select); coding-DNA position 1566, C replaced by G.
Protein change: p.Ile522Met; replaces isoleucine 522 with methionine.
Molecular consequence: missense variant.
Genome position (GRCh38, 1-based): chr16:15,757,836, G>C on the plus strand (C>G on the coding strand, the complement: MYH11 is on the minus strand). VCF-style: chr16-15757836-G-C. GRCh37 (hg19) VCF-style: chr16-15851693-G-C.
Other names: c.1587C>G, p.Ile529Met (NM_001040113.2, NM_001040114.2); c.1566C>G, p.Ile522Met (NM_022844.3); short protein forms I522M, I529M.
Identifiers: ClinVar variation 4635426 (VCV004635426.1).